The following is an entry in ClinVar:

ClinVar aggregate classification (germline): Likely benign. Review status: criteria provided, multiple submitters, no conflicts (2 of 4 stars). 3 submissions from 3 submitters: Likely benign (3). Last evaluated 2025-11-04.

Conditions:
PCCB-related disorder. Also called: PCCB-related condition.
Propionic acidemia (PROP). Also called: KETOTIC HYPERGLYCINEMIA; GLYCINEMIA, KETOTIC; HYPERGLYCINEMIA WITH KETOACIDOSIS AND LEUKOPENIA. Identifiers: Orphanet 35, MedGen C0268579, MONDO:0011628, OMIM 606054, HP:0003571.

Allele frequency attached by ClinVar (database versions not stated): gnomAD exomes below 0.00001; ExAC 0.00001.
gnomAD v4.1: 10 of 1,600,408 alleles (0.00062%); highest among the groups gnomAD compares: African/African-American, 0.0027%; no homozygotes.

Submissions (3):

Labcorp Genetics (formerly Invitae), Labcorp
Classification: Likely benign for Propionic acidemia. Last evaluated: 2025-11-04. Review status: criteria provided, single submitter. Criteria: Invitae Variant Classification Sherloc (09022015). Collection method: clinical testing. Allele origin: germline.

PreventionGenetics, part of Exact Sciences
Classification: Likely benign for PCCB-related condition. Last evaluated: 2025-07-15. Review status: criteria provided, single submitter. Criteria: ACMG Guidelines, 2015. Collection method: clinical testing. Allele origin: germline.
Comment: This variant is classified as likely benign based on ACMG/AMP sequence variant interpretation guidelines (Richards et al. 2015 PMID: 25741868, with internal and published modifications).

Blueprint Genetics
Classification: Likely benign. Last evaluated: 2019-11-13. Review status: criteria provided, single submitter. Criteria: ACMG Guidelines, 2015. Collection method: clinical testing. Allele origin: germline.

NM_000532.5(PCCB):c.1194A>G (p.Leu398=)

Gene: PCCB (propionyl-CoA carboxylase subunit beta; plus strand). Cytogenetic location: 3q22.3.
Variant type: single nucleotide variant.
Coding change: c.1194A>G on transcript NM_000532.5 (MANE Select); coding-DNA position 1194, A replaced by G.
Protein change: p.Leu398=; no amino-acid change (leucine 398 retained).
Molecular consequence: synonymous variant.
Genome position (GRCh38, 1-based): chr3:136,326,906, A>G. VCF-style: chr3-136326906-A-G. GRCh37 (hg19) VCF-style: chr3-136045748-A-G.
Other names: c.1194A>G (NM_000532.4); c.1254A>G, p.Leu418= (NM_001178014.2).
Identifiers: ClinVar variation 1080308 (VCV001080308.11), dbSNP rs767647079, ClinGen allele CA2632033.